The following is an entry in ClinVar:

ClinVar aggregate classification (germline): Pathogenic/Likely pathogenic. Review status: criteria provided, multiple submitters, no conflicts (2 of 4 stars). 3 submissions from 3 submitters: Pathogenic (2); Likely pathogenic (1). Last evaluated 2024-03-23.

Conditions:
SERPINF1-related disorder. Also called: SERPINF1-related condition.
Osteogenesis imperfecta type 6. Also called: Osteogenesis imperfecta, type VI. Identifiers: Orphanet 666, MedGen C3279564, MONDO:0013515, OMIM 613982.

Submissions (3):

Fulgent Genetics
Classification: Pathogenic for Osteogenesis imperfecta type 6. Last evaluated: 2024-03-23. Review status: criteria provided, single submitter. Criteria: ACMG Guidelines, 2015. Collection method: clinical testing. Allele origin: germline.

Blueprint Genetics
Classification: Likely pathogenic for SERPINF1-related disorders. Last evaluated: 2019-06-20. Review status: criteria provided, single submitter. Criteria: ACMG Guidelines, 2015. Collection method: clinical testing. Allele origin: germline. Affected: yes. Observed: 2 variant alleles.

Clinical Biomedical Laboratory, Shriners Hospital For Children - Canada
Classification: Pathogenic for Osteogenesis imperfecta type 6. Review status: criteria provided, single submitter. Criteria: ACMG Guidelines, 2015. Collection method: clinical testing. Allele origin: germline. Affected: yes.
Comment: This variant is predicted to delete 12 nucleotides and introduce a stop codon. This is expected to lead to degradation of the affected transcript and loss of function of the affected allele. Loss of function variants in SERPINF1 are associated with osteogenesis imperfecta type VI, which corresponds to the phenotype of the proband. This variant is absent from the Genome Aggregation Database (v2.1.1.), indicating it is very rare. Based on the ACMG variant interpretation guidelines (criteria: PVS1, PM2, PM3, PM4, PP4), the available evidence supports classification of this variant as pathogenic.

NM_002615.7(SERPINF1):c.857_868del (p.Leu286_Glu290delinsTer)

Gene: SERPINF1 (serpin family F member 1; plus strand). Cytogenetic location: 17p13.3.
Variant type: Deletion.
Coding change: c.857_868del on transcript NM_002615.7 (MANE Select); coding-DNA positions 857 to 868, 12 bases deleted (TGACCTTGATAG).
Protein change: p.Leu286_Glu290delinsTer.
Molecular consequence: nonsense.
Genome position (GRCh38, 1-based): chr17:1,776,602-1,776,613, TGACCTTGATAG deleted. VCF-style (leftmost placement, unchanged base first): chr17-1776601-TTGACCTTGATAG-T. GRCh37 (hg19) VCF-style: chr17-1679895-TTGACCTTGATAG-T.
Other names: c.857_868del, p.Leu286_Glu290delinsTer (NM_001329903.2); c.296_307del, p.Leu99_Glu103delinsTer (NM_001329904.2, NM_001329905.2).
Identifiers: ClinVar variation 3581692 (VCV003581692.3).